The following is an entry in ClinVar:

NM_182931.3(KMT2E):c.5515A>C (p.Ile1839Leu)

Gene: KMT2E (lysine methyltransferase 2E (inactive); plus strand). Cytogenetic location: 7q22.3.
Variant type: single nucleotide variant.
Coding change: c.5515A>C on transcript NM_182931.3 (MANE Select); coding-DNA position 5515, A replaced by C.
Protein change: p.Ile1839Leu; replaces isoleucine 1839 with leucine.
Molecular consequence: missense variant.
Genome position (GRCh38, 1-based): chr7:105,113,271, A>C. VCF-style: chr7-105113271-A-C. GRCh37 (hg19) VCF-style: chr7-104753718-A-C.
Other names: c.5389A>C, p.Ile1797Leu (NM_001410908.1); c.5515A>C, p.Ile1839Leu (NM_018682.4); short protein forms I1797L, I1839L.
Identifiers: ClinVar variation 4881314 (VCV004881314.2).
Genomic context (GRCh38, chr7:105,113,271, plus strand): 5'-GCCCTGCCACATGGGGTTCAAGGACCTCAGCAGGCATCTCCAGTGCCTGGACAGATTCCA[A>C]TTCACAGAGCACAGGTGCCACCAACATTTCAAAACAATTACCATGGGTCAGGGTGGCATT-3'
Protein context (NP_891847.1, residues 1829-1849): QASPVPGQIP[Ile1839Leu]HRAQVPPTFQ

ClinVar aggregate classification (germline): Uncertain significance (1 of 4 stars; one submission).

Submission:

Dasa
Classification: Uncertain significance. Last evaluated: 2026-04-17. Review status: criteria provided, single submitter. Criteria: DASA Assertion Criteria. Collection method: clinical testing. Allele origin: germline.
Comment: NM_182931.3(KMT2E):c.5515A>C (p.Ile1839Leu) is a missense variant that results in the substitution of isoleucine with leucine. This variant is absent from population databases. Computational prediction algorithms are consistent with a benign effect. The currently available literature and clinical evidence are not sufficient to establish a definitive association between this variant and the reported condition. Therefore, this variant is classified as a variant of uncertain significance.